The following is an entry in ClinVar:

ClinVar aggregate classification (germline): Conflicting classifications of pathogenicity. Review status: criteria provided, conflicting classifications (1 of 4 stars). 8 submissions from 8 submitters: Uncertain significance (4); Benign (1); Likely benign (2). 1 of the submissions does not count toward it. Last evaluated 2026-06-09.

Conditions:
NF1-related disorder. Also called: NF1-related condition. Identifiers: MedGen CN379171.
Hereditary cancer-predisposing syndrome. Also called: Hereditary Cancer Syndrome; Tumor predisposition; Hereditary neoplastic syndrome; Neoplastic Syndromes, Hereditary. Identifiers: Orphanet 140162, MedGen C0027672, MeSH D009386, MONDO:0015356.
Cardiovascular phenotype. Identifiers: MedGen CN230736.
Juvenile myelomonocytic leukemia (JMML). Also called: LEUKEMIA, JUVENILE MYELOMONOCYTIC, SOMATIC. Identifiers: Orphanet 86834, MedGen C0349639, MONDO:0011908, OMIM 607785, HP:0012209.
Neurofibromatosis-Noonan syndrome (NFNS). Also called: NEUROFIBROMATOSIS WITH NOONAN PHENOTYPE. Identifiers: Orphanet 638, MedGen C2931482, MONDO:0011035, OMIM 601321. Disease mechanism: loss of function.
Café-au-lait macules with pulmonary stenosis (WTSN). Also called: PULMONIC STENOSIS WITH CAFE-AU-LAIT SPOTS. Identifiers: MedGen C0553586, MONDO:0008672, OMIM 193520.
Neurofibromatosis, type 1 (NF1). Also called: VON RECKLINGHAUSEN DISEASE; NEUROFIBROMATOSIS, TYPE I, SOMATIC; Peripheral type neurofibromatosis; Neurofibromatosis, type I. Identifiers: Orphanet 636, MedGen C0027831, MONDO:0018975, OMIM 162200. Disease mechanism: loss of function.
Neurofibromatosis, familial spinal (FSNF). Identifiers: Orphanet 636, MedGen C1834235, MONDO:0008078, OMIM 162210. Disease mechanism: loss of function.

Allele frequency attached by ClinVar (database versions not stated): gnomAD 0.00003; gnomAD exomes below 0.00001; TOPMed 0.00001.
gnomAD v4.1: 11 of 1,611,826 alleles (0.00068%); highest among the groups gnomAD compares: Admixed American, 0.012%; no homozygotes.

Submissions (8):

Ambry Genetics
Classification: Likely benign for Cardiovascular phenotype; Hereditary cancer-predisposing syndrome. Last evaluated: 2026-06-09. Review status: criteria provided, single submitter. Criteria: Ambry Variant Classification Scheme 2023. Collection method: clinical testing. Allele origin: germline.

Labcorp Genetics (formerly Invitae), Labcorp
Classification: Benign for Neurofibromatosis, type 1. Last evaluated: 2026-02-03. Review status: criteria provided, single submitter. Criteria: Invitae Variant Classification Sherloc (09022015). Collection method: clinical testing. Allele origin: germline.

Quest Diagnostics Nichols Institute San Juan Capistrano
Classification: Uncertain significance. Last evaluated: 2025-10-21. Review status: criteria provided, single submitter. Criteria: Quest Diagnostics criteria. Collection method: clinical testing. Allele origin: unknown.

Fulgent Genetics
Classification: Likely benign for Neurofibromatosis, type 1; Neurofibromatosis, familial spinal; Café-au-lait macules with pulmonary stenosis; Neurofibromatosis-Noonan syndrome; Juvenile myelomonocytic leukemia. Last evaluated: 2024-06-17. Review status: criteria provided, single submitter. Criteria: ACMG Guidelines, 2015. Collection method: clinical testing. Allele origin: germline.

GeneDx
Classification: Uncertain significance. Last evaluated: 2023-04-06. Review status: criteria provided, single submitter. Criteria: GeneDx Variant Classification Process June 2021. Collection method: clinical testing. Allele origin: germline. Affected: yes.
Comment: In silico analysis supports that this missense variant does not alter protein structure/function; Observed in a child with caf-au-lait macules and their unaffected parent (Koczkowska et al., 2018); Observed in individuals with breast cancer (Momozawa et al., 2018); This variant is associated with the following publications: (PMID: 10678181, 29872168, 27069254, 23460398, 25486365, 2121369, 29290338, 30287823)

Women's Health and Genetics/Laboratory Corporation of America, LabCorp
Classification: Uncertain significance. Last evaluated: 2023-01-16. Review status: criteria provided, single submitter. Criteria: LabCorp Variant Classification Summary - May 2015. Collection method: clinical testing. Allele origin: germline.
Comment: Variant summary: NF1 c.2570A>G (p.Asn857Ser) results in a conservative amino acid change in the encoded protein sequence. Five of five in-silico tools predict a benign effect of the variant on protein function. The variant allele was found at a frequency of 4e-06 in 250832 control chromosomes. The available data on variant occurrences in the general population are insufficient to allow any conclusion about variant significance. c.2570A>G has been reported in the literature in individuals affected with NF1 disease or breast cancer. These reports do not provide unequivocal conclusions about association of the variant with Neurofibromatosis Type 1. To our knowledge, no experimental evidence demonstrating an impact on protein function has been reported. Five clinical diagnostic laboratories have submitted clinical-significance assessments for this variant to ClinVar after 2014 without evidence for independent evaluation. All laboratories classified the variant as uncertain significance. Based on the evidence outlined above, the variant was classified as uncertain significance.

Genome-Nilou Lab
Classification: Uncertain significance for Neurofibromatosis, type 1. Last evaluated: 2022-03-15. Review status: criteria provided, single submitter. Criteria: ACMG Guidelines, 2015. Collection method: clinical testing. Allele origin: germline. Affected: no.

PreventionGenetics, part of Exact Sciences
Classification: Uncertain significance for NF1-related condition. Last evaluated: 2024-09-20. Review status: no assertion criteria provided. Collection method: clinical testing. Allele origin: germline. Not counted in ClinVar's aggregate classification.
Comment: The NF1 c.2570A>G variant is predicted to result in the amino acid substitution p.Asn857Ser. It has also been reported in an individual with breast cancer as part of a large case-control study in the Japanese population (Supplementary Table 1, Momozawa et al. 2018. PubMed ID: 30287823). This variant is reported in 0.00088% of alleles in individuals of European (non-Finnish) descent in gnomAD and is interpreted as uncertain in ClinVar. At this time, the clinical significance of this variant is uncertain due to the absence of conclusive functional and genetic evidence.

Literature cited by the submitters: PubMed 29290338 (cited by Ambry Genetics and Women's Health and Genetics/Laboratory Corporation of America, LabCorp); PubMed 30287823 (cited by Ambry Genetics and Women's Health and Genetics/Laboratory Corporation of America, LabCorp); PubMed 10678181 (cited by Women's Health and Genetics/Laboratory Corporation of America, LabCorp); PubMed 23460398 (cited by Women's Health and Genetics/Laboratory Corporation of America, LabCorp); PubMed 29872168 (cited by Women's Health and Genetics/Laboratory Corporation of America, LabCorp); PubMed 27069254 (cited by Women's Health and Genetics/Laboratory Corporation of America, LabCorp).

NM_001042492.3(NF1):c.2570A>G (p.Asn857Ser)

Gene: NF1 (neurofibromin 1; plus strand). Cytogenetic location: 17q11.2.
Variant type: single nucleotide variant.
Coding change: c.2570A>G on transcript NM_001042492.3 (MANE Select); coding-DNA position 2570, A replaced by G.
Protein change: p.Asn857Ser; replaces asparagine 857 with serine.
Molecular consequence: missense variant.
Genome position (GRCh38, 1-based): chr17:31,229,185, A>G. VCF-style: chr17-31229185-A-G. GRCh37 (hg19) VCF-style: chr17-29556203-A-G.
Other names: c.2570A>G, p.Asn857Ser (NM_000267.4); short protein forms N857S.
Identifiers: ClinVar variation 404494 (VCV000404494.58), dbSNP rs1060500299, ClinGen allele CA16615621.